The following is an entry in ClinVar:

NM_001384140.1(PCDH15):c.1306-2A>G

Gene: PCDH15 (protocadherin related 15; minus strand). Cytogenetic location: 10q21.1.
Variant type: single nucleotide variant.
Coding change: c.1306-2A>G on transcript NM_001384140.1 (MANE Select); the canonical splice acceptor site of the intron before coding-DNA position 1306, A replaced by G.
Molecular consequence: splice acceptor variant.
Genome position (GRCh38, 1-based): chr10:54,185,270, T>C on the plus strand (A>G on the coding strand, the complement: PCDH15 is on the minus strand). VCF-style: chr10-54185270-T-C. GRCh37 (hg19) VCF-style: chr10-55945030-T-C.
Other names: c.1306-2A>G (NM_001354420.2, NM_001354429.2, NM_001142772.2 and 6 more transcripts); c.1321-2A>G (NM_001142771.2, NM_001142763.2); c.1327-2A>G (NM_001354411.2); c.1342-2A>G (NM_001142769.3); c.1240-2A>G (NM_001354404.2, NM_001142773.2, NM_001142768.2); c.1195-2A>G (NM_001142767.2).
Identifiers: ClinVar variation 1982916 (VCV001982916.5), dbSNP rs2539511295, ClinGen allele CA376515714.

ClinVar aggregate classification (germline): Likely pathogenic. Review status: criteria provided, multiple submitters, no conflicts (2 of 4 stars). 2 submissions from 2 submitters: Likely pathogenic (2). Last evaluated 2024-04-05.

Conditions:
Usher syndrome type 1D (USH1D). Also called: USHER SYNDROME, TYPE ID. Identifiers: Orphanet 231169, Orphanet 886, MedGen C1832845, MONDO:0010984, OMIM 601067.
Autosomal recessive nonsyndromic hearing loss 23. Identifiers: Orphanet 90636, MedGen C1836027, MONDO:0012293, OMIM 609533.
Usher syndrome type 1F (USH1F). Also called: USHER SYNDROME, TYPE IF. Identifiers: Orphanet 231169, Orphanet 886, MedGen C1865885, MONDO:0011186, OMIM 602083.

Submissions (2):

Fulgent Genetics
Classification: Likely pathogenic for Usher syndrome type 1D; Usher syndrome type 1F; Autosomal recessive nonsyndromic hearing loss 23. Last evaluated: 2024-04-05. Review status: criteria provided, single submitter. Criteria: ACMG Guidelines, 2015. Collection method: clinical testing. Allele origin: germline.

Labcorp Genetics (formerly Invitae), Labcorp
Classification: Likely pathogenic. Last evaluated: 2023-04-16. Review status: criteria provided, single submitter. Criteria: Invitae Variant Classification Sherloc (09022015). Collection method: clinical testing. Allele origin: germline.
Comment: This variant has not been reported in the literature in individuals affected with PCDH15-related conditions. In summary, the currently available evidence indicates that the variant is pathogenic, but additional data are needed to prove that conclusively. Therefore, this variant has been classified as Likely Pathogenic. Algorithms developed to predict the effect of sequence changes on RNA splicing suggest that this variant may disrupt the consensus splice site. ClinVar contains an entry for this variant (Variation ID: 1982916). This variant is not present in population databases (gnomAD no frequency). This sequence change affects an acceptor splice site in intron 11 of the PCDH15 gene. It is expected to disrupt RNA splicing. Variants that disrupt the donor or acceptor splice site typically lead to a loss of protein function (PMID: 16199547), and loss-of-function variants in PCDH15 are known to be pathogenic (PMID: 11398101, 11487575, 14570705).

Literature cited by the submitters: PubMed 16199547 (cited by Labcorp Genetics (formerly Invitae), Labcorp); PubMed 11398101 (cited by Labcorp Genetics (formerly Invitae), Labcorp); PubMed 11487575 (cited by Labcorp Genetics (formerly Invitae), Labcorp); PubMed 14570705 (cited by Labcorp Genetics (formerly Invitae), Labcorp).